The following is an entry in ClinVar:

ClinVar aggregate classification (germline): Benign/Likely benign. Review status: criteria provided, multiple submitters, no conflicts (2 of 4 stars). 3 submissions from 2 submitters: Benign (2); Likely benign (1). Last evaluated 2017-12-05.

Conditions:
Muscular dystrophy-dystroglycanopathy type B6 (MDDGB6). Also called: MUSCULAR DYSTROPHY-DYSTROGLYCANOPATHY (CONGENITAL WITH IMPAIRED INTELLECTUAL DEVELOPMENT), TYPE B, 6; MUSCULAR DYSTROPHY, CONGENITAL, LARGE-RELATED; MUSCULAR DYSTROPHY, CONGENITAL, TYPE 1D. Identifiers: MedGen C1837229, MONDO:0012138, OMIM 608840.
Muscular dystrophy-dystroglycanopathy (congenital with brain and eye anomalies), type A6. Also called: MUSCULAR DYSTROPHY-DYSTROGLYCANOPATHY (CONGENITAL WITH BRAIN AND EYE ANOMALIES), TYPE A, 6; WALKER-WARBURG SYNDROME OR MUSCLE-EYE-BRAIN DISEASE, LARGE-RELATED. Identifiers: Orphanet 588, Orphanet 899, MedGen C3150414, MONDO:0013158, OMIM 613154.

Allele frequency attached by ClinVar (database versions not stated): 1000 Genomes Project 30x 0.00109; TOPMed 0.00141; 1000 Genomes Project 0.00160; gnomAD 0.00215 and 0.00217.

Submissions (3):

GeneDx
Classification: Likely benign. Last evaluated: 2017-12-05. Review status: criteria provided, single submitter. Criteria: GeneDx Variant Classification (06012015). Collection method: clinical testing. Allele origin: germline. Affected: yes.
Comment: This variant is considered likely benign or benign based on one or more of the following criteria: it is a conservative change, it occurs at a poorly conserved position in the protein, it is predicted to be benign by multiple in silico algorithms, and/or has population frequency not consistent with disease.

Illumina Laboratory Services, Illumina
Classification: Benign for Muscular dystrophy-dystroglycanopathy type B6. Last evaluated: 2017-04-27. Review status: criteria provided, single submitter. Criteria: ICSL Variant Classification Criteria 13 December 2019. Collection method: clinical testing. Allele origin: germline.
Comment: This variant was observed as part of a predisposition screen in an ostensibly healthy population. A literature search was performed for the gene, cDNA change, and amino acid change (where applicable). No publications were found based on this search. Allele frequency data from public databases was too high to be consistent with this variant causing disease. Therefore, this variant is classified as benign.

Illumina Laboratory Services, Illumina
Classification: Benign for Muscular dystrophy-dystroglycanopathy (congenital with brain and eye anomalies), type A6. Last evaluated: 2017-04-27. Review status: criteria provided, single submitter. Criteria: ICSL Variant Classification Criteria 13 December 2019. Collection method: clinical testing. Allele origin: germline.
Comment: the same text as in the submission from Illumina Laboratory Services, Illumina above.

NM_133642.5(LARGE1):c.-83+63202T>G

Gene: LARGE1 (LARGE xylosyl- and glucuronyltransferase 1; minus strand). Cytogenetic location: 22q12.3.
Variant type: single nucleotide variant.
Coding change: c.-83+63202T>G on transcript NM_133642.5 (MANE Select); 63202 bases into the intron after 83 bases upstream of the start codon, T replaced by G.
Molecular consequence: intron variant. On other transcripts: 5 prime UTR variant (4).
Genome position (GRCh38, 1-based): chr22:33,856,793, A>C on the plus strand (T>G on the coding strand, the complement: LARGE1 is on the minus strand). VCF-style: chr22-33856793-A-C. GRCh37 (hg19) VCF-style: chr22-34252781-A-C.
Other names: c.-136T>G (NM_001362949.2, NM_001378624.1, NM_001378625.1 and 1 more transcripts); c.-83+65828T>G (NM_001362953.2); c.-83+65684T>G (NM_001378627.1, NM_001362951.2); c.-83+63202T>G (NM_001378629.1, NM_001378628.1); c.-83+16315T>G (NM_001378626.1).
Identifiers: ClinVar variation 379184 (VCV000379184.5), dbSNP rs147343461, ClinGen allele CA16609097.
Genomic context (GRCh38, chr22:33,856,793, plus strand): 5'-ATCTTACCTGGCTCACGACAGGTGCTTTACAAACGGCTGATGCATCTGAATGCGTTTCTT[A>C]ATGTAGGTTCTGAAAAATAGACAAGGCCCCTTTAAGGTTAGTTGTCAGATGAACCTGTCT-3'